The following is an entry in ClinVar:

NM_007194.4(CHEK2):c.206A>T (p.Gln69Leu)

Gene: CHEK2 (checkpoint kinase 2; minus strand). Cytogenetic location: 22q12.1.
Variant type: single nucleotide variant.
Coding change: c.206A>T on transcript NM_007194.4 (MANE Select); coding-DNA position 206, A replaced by T.
Protein change: p.Gln69Leu; replaces glutamine 69 with leucine.
Molecular consequence: missense variant.
Genome position (GRCh38, 1-based): chr22:28,734,516, T>A on the plus strand (A>T on the coding strand, the complement: CHEK2 is on the minus strand). VCF-style: chr22-28734516-T-A. GRCh37 (hg19) VCF-style: chr22-29130504-T-A.
Other names: c.206A>T, p.Gln69Leu (NM_001005735.3, NM_001349956.3, NM_145862.3); c.-572A>T (NM_001257387.3); short protein forms Q69L.
Identifiers: ClinVar variation 970913 (VCV000970913.11), dbSNP rs876661109, ClinGen allele CA411090790.
Genomic context (GRCh38, chr22:28,734,516, plus strand): 5'-GTAGGCTCCTCAGGTTCTTGGTCCTCAGGTTCTTGGTCCTCAGGAATAGAATAGAGTTCC[T>A]GAGTGGACACTGTCTCTAAGGAGCTCAGTGTCCCAGAGCTGGAGTGAGAGGACTGGCTGG-3'
Protein context (NP_009125.1, residues 59-79): TLSSLETVST[Gln69Leu]ELYSIPEDQE

ClinVar aggregate classification (germline): Uncertain significance. Review status: criteria provided, multiple submitters, no conflicts (2 of 4 stars). 2 submissions from 2 submitters: Uncertain significance (2). Last evaluated 2024-02-26.

Conditions:
Hereditary cancer-predisposing syndrome. Also called: Neoplastic Syndromes, Hereditary; Hereditary Cancer Syndrome; Tumor predisposition; Hereditary neoplastic syndrome. Identifiers: Orphanet 140162, MedGen C0027672, MeSH D009386, MONDO:0015356.
Familial cancer of breast. Also called: hereditary breast carcinoma; Hereditary breast cancer; BREAST CANCER, FAMILIAL. Identifiers: Orphanet 227535, MedGen C0346153, MONDO:0016419, OMIM 114480. Disease mechanism: loss of function.

Submissions (2):

Ambry Genetics
Classification: Uncertain significance for Hereditary cancer-predisposing syndrome. Last evaluated: 2024-02-26. Review status: criteria provided, single submitter. Criteria: Ambry Variant Classification Scheme 2023. Collection method: clinical testing. Allele origin: germline.
Comment: The p.Q69L variant (also known as c.206A>T), located in coding exon 1 of the CHEK2 gene, results from an A to T substitution at nucleotide position 206. The glutamine at codon 69 is replaced by leucine, an amino acid with dissimilar properties. This amino acid position is conserved. In addition, this alteration is predicted to be deleterious by in silico analysis. Based on the available evidence, the clinical significance of this alteration remains unclear.

Labcorp Genetics (formerly Invitae), Labcorp
Classification: Uncertain significance for Familial cancer of breast. Last evaluated: 2019-11-02. Review status: criteria provided, single submitter. Criteria: Invitae Variant Classification Sherloc (09022015). Collection method: clinical testing. Allele origin: germline.
Comment: This variant has not been reported in the literature in individuals with CHEK2-related conditions. Algorithms developed to predict the effect of missense changes on protein structure and function (SIFT, PolyPhen-2, Align-GVGD) all suggest that this variant is likely to be disruptive, but these predictions have not been confirmed by published functional studies and their clinical significance is uncertain. In summary, the available evidence is currently insufficient to determine the role of this variant in disease. Therefore, it has been classified as a Variant of Uncertain Significance. This sequence change replaces glutamine with leucine at codon 69 of the CHEK2 protein (p.Gln69Leu). The glutamine residue is highly conserved and there is a moderate physicochemical difference between glutamine and leucine. This variant is not present in population databases (ExAC no frequency).